The following is an entry in ClinVar:

NM_001017420.3(ESCO2):c.1076A>C (p.Gln359Pro)

Gene: ESCO2 (establishment of sister chromatid cohesion N-acetyltransferase 2; plus strand). Cytogenetic location: 8p21.1.
Variant type: single nucleotide variant.
Coding change: c.1076A>C on transcript NM_001017420.3 (MANE Select); coding-DNA position 1076, A replaced by C.
Protein change: p.Gln359Pro; replaces glutamine 359 with proline.
Molecular consequence: missense variant.
Genome position (GRCh38, 1-based): chr8:27,787,947, A>C. VCF-style: chr8-27787947-A-C. GRCh37 (hg19) VCF-style: chr8-27645464-A-C.
Other names: short protein forms Q359P.
Identifiers: ClinVar variation 362738 (VCV000362738.29), dbSNP rs57479434, ClinGen allele CA4692210.

ClinVar aggregate classification (germline): Benign/Likely benign. Review status: criteria provided, multiple submitters, no conflicts (2 of 4 stars). 9 submissions from 9 submitters: Benign (2); Likely benign (5). 2 of the submissions do not count toward it. Last evaluated 2026-01-25.

Conditions:
Roberts-SC phocomelia syndrome (RBS). Also called: LONG BONE DEFICIENCIES ASSOCIATED WITH CLEFT LIP-PALATE; Hypomelia hypotrichosis facial hemangioma syndrome; ESCO2 Spectrum Disorder; Pseudothalidomide syndrome; Appelt-Gerken-Lenz syndrome. Identifiers: Orphanet 3103, MedGen C0392475, MONDO:0100253, OMIM 268300.
Juberg-Hayward syndrome (JHS). Also called: OROCRANIODIGITAL SYNDROME; Cleft lip/palate with abnormal thumbs and microcephaly. Identifiers: Orphanet 2319, MedGen C0796099, MONDO:0008992, OMIM 216100.
ESCO2-related disorder. Also called: ESCO2-related condition.

Allele frequency attached by ClinVar (database versions not stated): gnomAD exomes 0.00064 and 0.00130; ExAC 0.00127; ESP Exome Variant Server 0.00292; gnomAD 0.00315 and 0.00323; TOPMed 0.00322; 1000 Genomes Project 0.00459; 1000 Genomes Project 30x 0.00484.
gnomAD v4.1: 1,508 of 1,613,860 alleles (0.093%); highest among the groups gnomAD compares: African/African-American, 0.91%; 7 homozygotes.

Submissions (9):

Labcorp Genetics (formerly Invitae), Labcorp
Classification: Likely benign. Last evaluated: 2026-01-25. Review status: criteria provided, single submitter. Criteria: Invitae Variant Classification Sherloc (09022015). Collection method: clinical testing. Allele origin: germline.

CeGaT Center for Human Genetics Tuebingen
Classification: Likely benign. Last evaluated: 2025-12-01. Review status: criteria provided, single submitter. Criteria: CeGaT Center For Human Genetics Tuebingen Variant Classification Criteria Version 2. Collection method: clinical testing. Allele origin: germline. Affected: yes. Observed: 1 variant allele.
Comment: ESCO2: BP4, BS2

Blueprint Genetics
Classification: Likely benign. Last evaluated: 2024-10-31. Review status: criteria provided, single submitter. Criteria: ACMG Guidelines, 2015. Collection method: clinical testing. Allele origin: germline.

Fulgent Genetics
Classification: Likely benign for Juberg-Hayward syndrome; Roberts-SC phocomelia syndrome. Last evaluated: 2021-10-13. Review status: criteria provided, single submitter. Criteria: ACMG Guidelines, 2015. Collection method: clinical testing. Allele origin: unknown.

GeneDx
Classification: Benign. Last evaluated: 2019-07-18. Review status: criteria provided, single submitter. Criteria: GeneDx Variant Classification Process June 2021. Collection method: clinical testing. Allele origin: germline. Affected: yes.

Illumina Laboratory Services, Illumina
Classification: Likely benign for Roberts-SC phocomelia syndrome. Last evaluated: 2018-01-13. Review status: criteria provided, single submitter. Criteria: ICSL Variant Classification Criteria 13 December 2019. Collection method: clinical testing. Allele origin: germline.
Comment: This variant was observed in the ICSL laboratory as part of a predisposition screen in an ostensibly healthy population. It had not been previously curated by ICSL or reported in the Human Gene Mutation Database (HGMD: prior to June 1st, 2018), and was therefore a candidate for classification through an automated scoring system. Utilizing variant allele frequency, disease prevalence and penetrance estimates, and inheritance mode, an automated score was calculated to assess if this variant is too frequent to cause the disease. Based on the score and internal cut-off values, a variant classified as likely benign is not then subjected to further curation. The score for this variant resulted in a classification of likely benign for this disease.

Eurofins Ntd Llc (ga)
Classification: Benign. Last evaluated: 2016-12-02. Review status: criteria provided, single submitter. Criteria: EGL Classification Definitions 2015. Collection method: clinical testing. Allele origin: germline. Observed: 1 variant allele, 1 heterozygote.

Natera, Inc.
Classification: Benign for Roberts syndrome. Last evaluated: 2020-01-06. Review status: no assertion criteria provided. Collection method: clinical testing. Allele origin: germline. Not counted in ClinVar's aggregate classification.

PreventionGenetics, part of Exact Sciences
Classification: Benign for ESCO2-related condition. Last evaluated: 2020-01-02. Review status: no assertion criteria provided. Collection method: clinical testing. Allele origin: germline. Not counted in ClinVar's aggregate classification.
Comment: This variant is classified as benign based on ACMG/AMP sequence variant interpretation guidelines (Richards et al. 2015 PMID: 25741868, with internal and published modifications).